The following is an entry in ClinVar:

NM_005215.4(DCC):c.1301A>G (p.Asp434Gly)

Gene: DCC (DCC netrin 1 receptor; plus strand). Cytogenetic location: 18q21.2.
Variant type: single nucleotide variant.
Coding change: c.1301A>G on transcript NM_005215.4 (MANE Select); coding-DNA position 1301, A replaced by G.
Protein change: p.Asp434Gly; replaces aspartic acid 434 with glycine.
Molecular consequence: missense variant.
Genome position (GRCh38, 1-based): chr18:53,157,395, A>G. VCF-style: chr18-53157395-A-G. GRCh37 (hg19) VCF-style: chr18-50683765-A-G.
Other names: short protein forms D434G.
Identifiers: ClinVar variation 1049482 (VCV001049482.1), dbSNP rs2144397254, ClinGen allele CA402514794.

ClinVar aggregate classification (germline): Uncertain significance (0 of 4 stars; one submission).

Submission:

Department of Pathology and Laboratory Medicine, Sinai Health System
Classification: Uncertain significance. Review status: no assertion criteria provided. Collection method: clinical testing. Allele origin: unknown. Affected: yes. Study: The Canadian Open Genetics Repository (COGR).
Comment: The DCC p.Asp434Gly variant was not identified in the literature nor was it identified in dbSNP, ClinVar, Cosmic or LOVD 3.0 and was also not identified in the following control databases: the 1000 Genomes Project, the NHLBI GO Exome Sequencing Project, the Exome Aggregation Consortium (August 8th 2016), or the Genome Aggregation Database (Feb 27, 2017). The variant occurs outside of the splicing consensus sequence and 3 of 4 in silico or computational prediction software programs (SpliceSiteFinder, MaxEntScan, NNSPLICE) predict a greater than 10% difference in splicing with a gain of a 5' splice site at c.1300. However, this information is not predictive enough to assume pathogenicity. The p.Asp434 residue is conserved in mammals and other organisms, and 3 of 5 computational analyses (SIFT, BLOSUM, MutationTaster) provide pathogenic predictions regarding the impact to the protein; however this information is not predictive enough to assume pathogenicity. In summary, based on the above information the clinical significance of this variant cannot be determined with certainty at this time. This variant is classified as a variant of uncertain significance.